The following is an entry in ClinVar:

ClinVar aggregate classification (germline): Uncertain significance. Review status: criteria provided, multiple submitters, no conflicts (2 of 4 stars). 3 submissions from 3 submitters: Uncertain significance (3). Last evaluated 2025-03-20.

Conditions:
Sclerosteosis 2 (SOST2). Identifiers: Orphanet 3152, MedGen C3280402, MONDO:0013679, OMIM 614305.
Cenani-Lenz syndactyly syndrome. Also called: CENANI SYNDACTYLISM; SYNDACTYLY, TYPE VII. Identifiers: Orphanet 3258, MedGen C1859309, MONDO:0008931, OMIM 212780.
Congenital myasthenic syndrome 17. Identifiers: Orphanet 590, MedGen C4225377, MONDO:0014578, OMIM 616304.
Inborn genetic diseases. Identifiers: MedGen C0950123, MeSH D030342.

Allele frequency attached by ClinVar (database versions not stated): gnomAD exomes 0.00002 and 0.00001; TOPMed 0.00002; gnomAD 0.00004 and 0.00006; ExAC 0.00002.
gnomAD v4.1: 18 of 1,613,992 alleles (0.0011%); highest among the groups gnomAD compares: Admixed American, 0.0067%; no homozygotes.

Submissions (3):

Ambry Genetics
Classification: Uncertain significance for Inborn genetic diseases. Last evaluated: 2025-03-20. Review status: criteria provided, single submitter. Criteria: Ambry Variant Classification Scheme 2023. Collection method: clinical testing. Allele origin: germline.

Fulgent Genetics
Classification: Uncertain significance for Cenani-Lenz syndactyly syndrome; Sclerosteosis 2; Congenital myasthenic syndrome 17. Last evaluated: 2024-04-17. Review status: criteria provided, single submitter. Criteria: ACMG Guidelines, 2015. Collection method: clinical testing. Allele origin: germline.

Labcorp Genetics (formerly Invitae), Labcorp
Classification: Uncertain significance for Cenani-Lenz syndactyly syndrome; Sclerosteosis 2; Congenital myasthenic syndrome 17. Last evaluated: 2022-03-18. Review status: criteria provided, single submitter. Criteria: Invitae Variant Classification Sherloc (09022015). Collection method: clinical testing. Allele origin: germline.
Comment: This variant is present in population databases (rs773234882, gnomAD 0.01%). In summary, the available evidence is currently insufficient to determine the role of this variant in disease. Therefore, it has been classified as a Variant of Uncertain Significance. Algorithms developed to predict the effect of missense changes on protein structure and function are either unavailable or do not agree on the potential impact of this missense change (SIFT: "Deleterious"; PolyPhen-2: "Possibly Damaging"; Align-GVGD: "Class C0"). ClinVar contains an entry for this variant (Variation ID: 1014434). This variant has not been reported in the literature in individuals affected with LRP4-related conditions. This sequence change replaces arginine, which is basic and polar, with glutamine, which is neutral and polar, at codon 352 of the LRP4 protein (p.Arg352Gln).

NM_002334.4(LRP4):c.1055G>A (p.Arg352Gln)

Gene: LRP4 (LDL receptor related protein 4; minus strand). Cytogenetic location: 11p11.2.
Variant type: single nucleotide variant.
Coding change: c.1055G>A on transcript NM_002334.4 (MANE Select); coding-DNA position 1055, G replaced by A.
Protein change: p.Arg352Gln; replaces arginine 352 with glutamine.
Molecular consequence: missense variant.
Genome position (GRCh38, 1-based): chr11:46,896,012, C>T on the plus strand (G>A on the coding strand, the complement: LRP4 is on the minus strand). VCF-style: chr11-46896012-C-T. GRCh37 (hg19) VCF-style: chr11-46917563-C-T.
Other names: c.1055G>A (NM_002334.3); short protein forms R352Q.
Identifiers: ClinVar variation 1014434 (VCV001014434.5), dbSNP rs773234882, ClinGen allele CA5970273.